The following is an entry in ClinVar:

ClinVar aggregate classification (germline): Conflicting classifications of pathogenicity. Review status: criteria provided, conflicting classifications (1 of 4 stars). 8 submissions from 8 submitters: Uncertain significance (4); Likely benign (3). 1 of the submissions does not count toward it. Last evaluated 2026-02-03.

Conditions:
DICER1-related disorder. Also called: DICER1-related condition.
DICER1-related tumor predisposition. Also called: DICER1 syndrome; DICER1-related pleuropulmonary blastoma cancer predisposition syndrome. Identifiers: Orphanet 284343, MedGen C3839822, MONDO:0100216.
Hereditary cancer-predisposing syndrome. Also called: Neoplastic Syndromes, Hereditary; Tumor predisposition; Hereditary neoplastic syndrome; Hereditary Cancer Syndrome. Identifiers: Orphanet 140162, MedGen C0027672, MeSH D009386, MONDO:0015356.

Allele frequency attached by ClinVar (database versions not stated): ExAC 0.00007; ESP Exome Variant Server 0.00008; gnomAD exomes 0.00011; gnomAD 0.00012 and 0.00013; TOPMed 0.00014; 1000 Genomes Project 30x 0.00016; 1000 Genomes Project 0.00020.

Submissions (8):

Labcorp Genetics (formerly Invitae), Labcorp
Classification: Likely benign for DICER1-related tumor predisposition. Last evaluated: 2026-02-03. Review status: criteria provided, single submitter. Criteria: Invitae Variant Classification Sherloc (09022015). Collection method: clinical testing. Allele origin: germline.

Center for Genomic Medicine, Rigshospitalet, Copenhagen University Hospital
Classification: Uncertain significance. Last evaluated: 2025-03-04. Review status: criteria provided, single submitter. Criteria: ACMG Guidelines, 2015. Collection method: clinical testing. Allele origin: germline.

Quest Diagnostics Nichols Institute San Juan Capistrano
Classification: Uncertain significance. Last evaluated: 2024-11-12. Review status: criteria provided, single submitter. Criteria: Quest Diagnostics criteria. Collection method: clinical testing. Allele origin: unknown.
Comment: The DICER1 c.4802A>T (p.Lys1601Met) variant has been reported in the published literature in an individual with unspecified childhood cancer (PMID: 21266384 (2011)). The frequency of this variant in the general population, 0.00048 (12/25122 chromosomes in European (Finnish) subpopulation (Genome Aggregation Database)), is higher than would generally be expected for pathogenic variants in this gene. Analysis of this variant using bioinformatics tools for the prediction of the effect of amino acid changes on protein structure and function yielded predictions that this variant is benign. Based on the available information, we are unable to determine the clinical significance of this variant.

GeneDx
Classification: Uncertain significance. Last evaluated: 2024-01-17. Review status: criteria provided, single submitter. Criteria: GeneDx Variant Classification Process June 2021. Collection method: clinical testing. Allele origin: germline. Affected: yes.
Comment: In silico analysis supports that this missense variant does not alter protein structure/function; Observed in individuals with childhood tumors (PMID: 21266384); This variant is associated with the following publications: (PMID: 21266384)

Ambry Genetics
Classification: Likely benign for Hereditary cancer-predisposing syndrome. Last evaluated: 2022-06-06. Review status: criteria provided, single submitter. Criteria: Ambry Variant Classification Scheme 2023. Collection method: clinical testing. Allele origin: germline.

Sema4
Classification: Uncertain significance for Hereditary cancer-predisposing syndrome. Last evaluated: 2022-02-23. Review status: criteria provided, single submitter. Criteria: Sema4 Curation Guidelines. Collection method: curation. Allele origin: germline.
Comment: The DICER1 c.4802A>T (p.K1601M) variant has been reported in at least one individual with DICER1-associated tumors (PMID: 21266384, 28748527). It was observed in 12/25122 chromosomes of the Finnish subpopulation in the large and broad cohorts of the Genome Aggregation Database (PMID: 32461654). The variant has been reported in ClinVar (Variation ID 242120). In silico tools suggest the impact of the variant on protein function is benign though these predictions have not been confirmed by functional studies. The evidence is insufficient to meet ACMG/AMP criteria for classifying the variant as benign or pathogenic. Thus the clinical significance of this variant is currently uncertain.

Illumina Laboratory Services, Illumina
Classification: Likely benign for Pleuropulmonary blastoma. Last evaluated: 2018-01-13. Review status: criteria provided, single submitter. Criteria: ICSL Variant Classification Criteria 13 December 2019. Collection method: clinical testing. Allele origin: germline.
Comment: This variant was observed in the ICSL laboratory as part of a predisposition screen in an ostensibly healthy population. It had not been previously curated by ICSL or reported in the Human Gene Mutation Database (HGMD: prior to June 1st, 2018), and was therefore a candidate for classification through an automated scoring system. Utilizing variant allele frequency, disease prevalence and penetrance estimates, and inheritance mode, an automated score was calculated to assess if this variant is too frequent to cause the disease. Based on the score and internal cut-off values, a variant classified as likely benign is not then subjected to further curation. The score for this variant resulted in a classification of likely benign for this disease.

PreventionGenetics, part of Exact Sciences
Classification: Likely benign for DICER1-related condition. Last evaluated: 2023-03-01. Review status: no assertion criteria provided. Collection method: clinical testing. Allele origin: germline. Not counted in ClinVar's aggregate classification.
Comment: This variant is classified as likely benign based on ACMG/AMP sequence variant interpretation guidelines (Richards et al. 2015 PMID: 25741868, with internal and published modifications).

Literature cited by the submitters: PubMed 28748527 (cited by Quest Diagnostics Nichols Institute San Juan Capistrano and Sema4); PubMed 21266384 (cited by Quest Diagnostics Nichols Institute San Juan Capistrano and Sema4).

NM_177438.3(DICER1):c.4802A>T (p.Lys1601Met)

Gene: DICER1 (dicer 1, ribonuclease III; minus strand). Cytogenetic location: 14q32.13.
Variant type: single nucleotide variant.
Coding change: c.4802A>T on transcript NM_177438.3 (MANE Select); coding-DNA position 4802, A replaced by T.
Protein change: p.Lys1601Met; replaces lysine 1601 with methionine.
Molecular consequence: missense variant.
Genome position (GRCh38, 1-based): chr14:95,096,118, T>A on the plus strand (A>T on the coding strand, the complement: DICER1 is on the minus strand). VCF-style: chr14-95096118-T-A. GRCh37 (hg19) VCF-style: chr14-95562455-T-A.
Other names: c.4802A>T, p.Lys1601Met (NM_001195573.1, NM_001271282.3, NM_001291628.2 and 1 more transcripts); short protein forms K1601M.
Identifiers: ClinVar variation 242120 (VCV000242120.28), dbSNP rs181018393, ClinGen allele CA7330796.